The following is an entry in ClinVar:

ClinVar aggregate classification (germline): Uncertain significance (1 of 4 stars; one submission).

Allele frequency attached by ClinVar (database versions not stated): 1000 Genomes Project 30x 0.00031; 1000 Genomes Project 0.00040.

Submission:

Labcorp Genetics (formerly Invitae), Labcorp
Classification: Uncertain significance. Last evaluated: 2021-11-29. Review status: criteria provided, single submitter. Criteria: Invitae Variant Classification Sherloc (09022015). Collection method: clinical testing. Allele origin: germline.
Comment: This sequence change replaces glycine, which is neutral and non-polar, with valine, which is neutral and non-polar, at codon 732 of the SLITRK6 protein (p.Gly732Val). This variant is present in population databases (rs74591375, gnomAD 0.006%). This variant has not been reported in the literature in individuals affected with SLITRK6-related conditions. Algorithms developed to predict the effect of missense changes on protein structure and function are either unavailable or do not agree on the potential impact of this missense change (SIFT: "Deleterious"; PolyPhen-2: "Possibly Damaging"; Align-GVGD: "Class C0"). In summary, the available evidence is currently insufficient to determine the role of this variant in disease. Therefore, it has been classified as a Variant of Uncertain Significance.

NM_032229.3(SLITRK6):c.2195G>T (p.Gly732Val)

Gene: SLITRK6 (SLIT and NTRK like family member 6; minus strand). Cytogenetic location: 13q31.1.
Variant type: single nucleotide variant.
Coding change: c.2195G>T on transcript NM_032229.3 (MANE Select); coding-DNA position 2195, G replaced by T.
Protein change: p.Gly732Val; replaces glycine 732 with valine.
Molecular consequence: missense variant.
Genome position (GRCh38, 1-based): chr13:85,794,314, C>A on the plus strand (G>T on the coding strand, the complement: SLITRK6 is on the minus strand). VCF-style: chr13-85794314-C-A. GRCh37 (hg19) VCF-style: chr13-86368449-C-A.
Other names: short protein forms G732V.
Identifiers: ClinVar variation 1436522 (VCV001436522.5), dbSNP rs74591375, ClinGen allele CA7014943.
Genomic context (GRCh38, chr13:85,794,314, plus strand): 5'-GCATCTTGGAAGGATAAAAATTCTGTTGATTGGTTCGTGGTTTTGTATTTCATATTTGAC[C>A]CTGTGAGTGGTGAATGATTTTCCTGTTCCAAAAGACTTCTTTGGAGATGTTTTGCATCAC-3'
Protein context (NP_115605.2, residues 722-742): LEQENHSPLT[Gly732Val]SNMKYKTTNQ